The following is an entry in ClinVar:

ClinVar aggregate classification (germline): Uncertain significance (1 of 4 stars; one submission).

Conditions:
Primary ciliary dyskinesia. Also called: Ciliary dyskinesia. Identifiers: Orphanet 244, MedGen C0008780, MONDO:0016575, HP:0012265.

Allele frequency attached by ClinVar (database versions not stated): gnomAD exomes below 0.00001.
gnomAD v4.1: 3 of 1,613,494 alleles (0.00019%); highest among the groups gnomAD compares: Non-Finnish European, 0.00025%; no homozygotes.

Submission:

Ambry Genetics
Classification: Uncertain significance for Primary ciliary dyskinesia. Last evaluated: 2022-02-16. Review status: criteria provided, single submitter. Criteria: Ambry Variant Classification Scheme 2023. Collection method: clinical testing. Allele origin: germline.
Comment: The p.V427A variant (also known as c.1280T>C), located in coding exon 10 of the DNAH5 gene, results from a T to C substitution at nucleotide position 1280. The valine at codon 427 is replaced by alanine, an amino acid with similar properties. This amino acid position is conserved. In addition, this alteration is predicted to be tolerated by in silico analysis. Since supporting evidence is limited at this time, the clinical significance of this alteration remains unclear.

NM_001369.3(DNAH5):c.1280T>C (p.Val427Ala)

Gene: DNAH5 (dynein axonemal heavy chain 5; minus strand). Cytogenetic location: 5p15.2.
Variant type: single nucleotide variant.
Coding change: c.1280T>C on transcript NM_001369.3 (MANE Select); coding-DNA position 1280, T replaced by C.
Protein change: p.Val427Ala; replaces valine 427 with alanine.
Molecular consequence: missense variant.
Genome position (GRCh38, 1-based): chr5:13,914,560, A>G on the plus strand (T>C on the coding strand, the complement: DNAH5 is on the minus strand). VCF-style: chr5-13914560-A-G. GRCh37 (hg19) VCF-style: chr5-13914669-A-G.
Other names: short protein forms V427A.
Identifiers: ClinVar variation 1767905 (VCV001767905.2), dbSNP rs2547129561, ClinGen allele CA359214991.